The following is an entry in ClinVar:

ClinVar aggregate classification (germline): Likely benign. Review status: criteria provided, multiple submitters, no conflicts (2 of 4 stars). 2 submissions from 2 submitters: Likely benign (2). Last evaluated 2026-03-06.

Conditions:
MTOR-related disorder. Also called: MTOR-related condition.

Allele frequency attached by ClinVar (database versions not stated): gnomAD exomes 0.00001; ExAC 0.00002; gnomAD 0.00011; TOPMed 0.00012; ESP Exome Variant Server 0.00015.
gnomAD v4.1: 27 of 1,613,972 alleles (0.0017%); highest among the groups gnomAD compares: Middle Eastern, 0.016%; no homozygotes.

Submissions (2):

PreventionGenetics, part of Exact Sciences
Classification: Likely benign for MTOR-related condition. Last evaluated: 2026-03-06. Review status: criteria provided, single submitter. Criteria: ACMG Guidelines, 2015. Collection method: clinical testing. Allele origin: germline.
Comment: This variant is classified as likely benign based on ACMG/AMP sequence variant interpretation guidelines (Richards et al. 2015 PMID: 25741868, with internal and published modifications).

Labcorp Genetics (formerly Invitae), Labcorp
Classification: Likely benign. Last evaluated: 2025-10-10. Review status: criteria provided, single submitter. Criteria: Invitae Variant Classification Sherloc (09022015). Collection method: clinical testing. Allele origin: germline.

NM_004958.4(MTOR):c.633C>T (p.Ala211=)

Gene: MTOR (mechanistic target of rapamycin kinase; minus strand). Cytogenetic location: 1p36.22.
Variant type: single nucleotide variant.
Coding change: c.633C>T on transcript NM_004958.4 (MANE Select); coding-DNA position 633, C replaced by T.
Protein change: p.Ala211=; no amino-acid change (alanine 211 retained).
Molecular consequence: synonymous variant.
Genome position (GRCh38, 1-based): chr1:11,256,064, G>A on the plus strand (C>T on the coding strand, the complement: MTOR is on the minus strand). VCF-style: chr1-11256064-G-A. GRCh37 (hg19) VCF-style: chr1-11316121-G-A.
Identifiers: ClinVar variation 772670 (VCV000772670.11), dbSNP rs139840351, ClinGen allele CA590909.